The following is an entry in ClinVar:

ClinVar aggregate classification (germline): Uncertain significance. Review status: criteria provided, multiple submitters, no conflicts (2 of 4 stars). 2 submissions from 2 submitters: Uncertain significance (2). Last evaluated 2025-10-15.

Conditions:
KIDINS220-related disorder. Also called: KIDINS220-related condition.

Allele frequency attached by ClinVar (database versions not stated): gnomAD exomes below 0.00001; gnomAD 0.00003; TOPMed 0.00003.
gnomAD v4.1: 7 of 1,613,866 alleles (0.00043%); highest among the groups gnomAD compares: African/African-American, 0.0053%; no homozygotes.

Submissions (2):

PreventionGenetics, part of Exact Sciences
Classification: Uncertain significance for KIDINS220-related condition. Last evaluated: 2025-10-15. Review status: criteria provided, single submitter. Criteria: ACMG Guidelines, 2015. Collection method: clinical testing. Allele origin: germline.
Comment: The KIDINS220 c.3278C>T variant is predicted to result in the amino acid substitution p.Ser1093Leu. To our knowledge, this variant has not been reported in the literature. This variant is reported in 0.0041% of alleles in individuals of African descent in gnomAD. At this time, the clinical significance of this variant is uncertain due to the absence of conclusive functional and genetic evidence.

Labcorp Genetics (formerly Invitae), Labcorp
Classification: Uncertain significance. Last evaluated: 2025-03-17. Review status: criteria provided, single submitter. Criteria: Invitae Variant Classification Sherloc (09022015). Collection method: clinical testing. Allele origin: germline.
Comment: This sequence change replaces serine, which is neutral and polar, with leucine, which is neutral and non-polar, at codon 1093 of the KIDINS220 protein (p.Ser1093Leu). This variant is present in population databases (no rsID available, gnomAD 0.004%). This variant has not been reported in the literature in individuals affected with KIDINS220-related conditions. ClinVar contains an entry for this variant (Variation ID: 2986480). An algorithm developed to predict the effect of missense changes on protein structure and function (PolyPhen-2) suggests that this variant is likely to be disruptive. In summary, the available evidence is currently insufficient to determine the role of this variant in disease. Therefore, it has been classified as a Variant of Uncertain Significance.

NM_020738.4(KIDINS220):c.3278C>T (p.Ser1093Leu)

Gene: KIDINS220 (kinase D interacting substrate 220; minus strand). Cytogenetic location: 2p25.1.
Variant type: single nucleotide variant.
Coding change: c.3278C>T on transcript NM_020738.4 (MANE Select); coding-DNA position 3278, C replaced by T.
Protein change: p.Ser1093Leu; replaces serine 1093 with leucine.
Molecular consequence: missense variant. On other transcripts: non-coding transcript variant (2).
Genome position (GRCh38, 1-based): chr2:8,750,248, G>A on the plus strand (C>T on the coding strand, the complement: KIDINS220 is on the minus strand). VCF-style: chr2-8750248-G-A. GRCh37 (hg19) VCF-style: chr2-8890378-G-A.
Other names: c.3278C>T (NM_020738.2); c.3281C>T, p.Ser1094Leu (NM_001348729.2, NM_001348731.2, NM_001348734.2 and 2 more transcripts); c.3278C>T, p.Ser1093Leu (NM_001348732.2, NM_001348735.2, NM_001348738.2 and 3 more transcripts); c.3152C>T, p.Ser1051Leu (NM_001348736.2); short protein forms S1093L, S1094L, S1051L.
Identifiers: ClinVar variation 2986480 (VCV002986480.4), dbSNP rs1293683237, ClinGen allele CA345771757.
Genomic context (GRCh38, chr2:8,750,248, plus strand): 5'-CCTGCGAAGGGCCCATTGAAGGACGTGGAAGAGCACACGGATGGGGGCTGGCTGTACCCT[G>A]ATGGCGCCCTAGGAGGACCCTCATGTAGAGGGAGCGGGGGGTACGCCAGTCCTCCAATAC-3'
Protein context (NP_065789.1, residues 1083-1103): PLHEGPPRAP[Ser1093Leu]GYSQPPSVCS